The following is an entry in ClinVar:

NM_007055.4(POLR3A):c.885+2T>C

Gene: POLR3A (RNA polymerase III subunit A; minus strand). Cytogenetic location: 10q22.3.
Variant type: single nucleotide variant.
Coding change: c.885+2T>C on transcript NM_007055.4 (MANE Select); the canonical splice donor site of the intron after coding-DNA position 885, T replaced by C.
Molecular consequence: splice donor variant.
Genome position (GRCh38, 1-based): chr10:78,022,143, A>G on the plus strand (T>C on the coding strand, the complement: POLR3A is on the minus strand). VCF-style: chr10-78022143-A-G. GRCh37 (hg19) VCF-style: chr10-79781901-A-G.
Identifiers: ClinVar variation 3676047 (VCV003676047.2).

ClinVar aggregate classification (germline): Likely pathogenic (1 of 4 stars; one submission).

gnomAD v4.1: 13 of 1,614,040 alleles (0.00081%); highest among the groups gnomAD compares: African/African-American, 0.0013%; no homozygotes.

Submission:

Labcorp Genetics (formerly Invitae), Labcorp
Classification: Likely pathogenic. Last evaluated: 2024-12-26. Review status: criteria provided, single submitter. Criteria: Invitae Variant Classification Sherloc (09022015). Collection method: clinical testing. Allele origin: germline.
Comment: This sequence change affects a donor splice site in intron 6 of the POLR3A gene. It is expected to disrupt RNA splicing. Variants that disrupt the donor or acceptor splice site typically lead to a loss of protein function (PMID: 16199547), and loss-of-function variants in POLR3A are known to be pathogenic (PMID: 21855841, 25339210, 27612211, 30414627, 30450527). This variant is present in population databases (rs186640481, gnomAD 0.003%). This variant has not been reported in the literature in individuals affected with POLR3A-related conditions. Algorithms developed to predict the effect of sequence changes on RNA splicing suggest that this variant may disrupt the consensus splice site. In summary, the currently available evidence indicates that the variant is pathogenic, but additional data are needed to prove that conclusively. Therefore, this variant has been classified as Likely Pathogenic.

Literature cited by the submitters: PubMed 16199547; PubMed 21855841; PubMed 25339210; PubMed 27612211; PubMed 30414627; PubMed 30450527.